The following is an entry in ClinVar:

NM_001122630.2(CDKN1C):c.281del (p.Ala94fs)

Gene: CDKN1C (cyclin dependent kinase inhibitor 1C; minus strand). Cytogenetic location: 11p15.4.
Variant type: Deletion.
Coding change: c.281del on transcript NM_001122630.2 (MANE Select); coding-DNA position 281, one base deleted (C; older notation c.281delC).
Protein change: p.Ala94fs; shifts the reading frame from alanine 94.
Molecular consequence: frameshift variant. On other transcripts: intron variant (1).
Genome position (GRCh38, 1-based): chr11:2,885,176, G deleted on the plus strand (C on the coding strand, the reverse complement: CDKN1C is on the minus strand). VCF-style (leftmost placement, unchanged base first): chr11-2885175-CG-C. GRCh37 (hg19) VCF-style: chr11-2906405-CG-C.
Other names: c.314del, p.Ala105fs (NM_000076.2, NM_001362474.2); c.281del, p.Ala94fs (NM_001122631.2); c.255+26del (NM_001362475.2); c.314delC (NM_000076.2); short protein forms A105fs, A94fs.
Identifiers: ClinVar variation 4997264 (VCV004997264.1).

ClinVar aggregate classification (germline): Likely pathogenic (1 of 4 stars; one submission).

Conditions:
CDKN1C-related disorder. Also called: CDKN1C-related condition.

Submission:

PreventionGenetics, part of Exact Sciences
Classification: Likely pathogenic for CDKN1C-related condition. Last evaluated: 2025-04-27. Review status: criteria provided, single submitter. Criteria: ACMG Guidelines, 2015. Collection method: clinical testing. Allele origin: germline.
Comment: The CDKN1C c.314delC variant is predicted to result in a frameshift and premature protein termination (p.Ala105Glyfs*167). To our knowledge, this variant has not been reported in the literature or in a large population database (gnomAD), indicating this variant is rare. Frameshift variants in CDKN1C are expected to be pathogenic. This variant is interpreted as likely pathogenic.